The following is an entry in ClinVar:

NM_002474.3(MYH11):c.2458C>G (p.Gln820Glu)

Gene: MYH11 (myosin heavy chain 11; minus strand). Cytogenetic location: 16p13.11.
Variant type: single nucleotide variant.
Coding change: c.2458C>G on transcript NM_002474.3 (MANE Select); coding-DNA position 2458, C replaced by G.
Protein change: p.Gln820Glu; replaces glutamine 820 with glutamic acid.
Molecular consequence: missense variant.
Genome position (GRCh38, 1-based): chr16:15,745,191, G>C on the plus strand (C>G on the coding strand, the complement: MYH11 is on the minus strand). VCF-style: chr16-15745191-G-C. GRCh37 (hg19) VCF-style: chr16-15839048-G-C.
Other names: c.2479C>G, p.Gln827Glu (NM_001040113.2, NM_001040114.2); c.2458C>G, p.Gln820Glu (NM_022844.3); short protein forms Q820E, Q827E.
Identifiers: ClinVar variation 3387219 (VCV003387219.2).
Genomic context (GRCh38, chr16:15,745,191, plus strand): 5'-TGGTGAAAAGCCTCCACCACTGCCAGTTCCGCAGCTTGAGGTAGGCGGCGCAGTTCCTCT[G>C]AATCACCTTCATGGCGGTCAGCTGCTGCTGCCTCTTGGCAAAAGCCCTAGGGAGGGGGGA-3'
Protein context (NP_002465.1, residues 810-830): QQQLTAMKVI[Gln820Glu]RNCAAYLKLR

ClinVar aggregate classification (germline): Uncertain significance. Review status: criteria provided, multiple submitters, no conflicts (2 of 4 stars). 2 submissions from 2 submitters: Uncertain significance (2). Last evaluated 2025-07-20.

Conditions:
Familial thoracic aortic aneurysm and aortic dissection (TAAD). Also called: Thoracic aortic aneurysms and dissections. Identifiers: Orphanet 91387, MedGen C4707243, MONDO:0019625.
Aortic aneurysm, familial thoracic 4 (AAT4). Also called: AORTIC ANEURYSM/AORTIC DISSECTION AND PATENT DUCTUS ARTERIOSUS. Identifiers: MedGen C1851504, MONDO:0007568, OMIM 132900.

gnomAD v4.1: 1 of 1,613,974 alleles (0.000062%); highest among the groups gnomAD compares: Admixed American, 0.0017%; no homozygotes.

Submissions (2):

Labcorp Genetics (formerly Invitae), Labcorp
Classification: Uncertain significance for Aortic aneurysm, familial thoracic 4. Last evaluated: 2025-07-20. Review status: criteria provided, single submitter. Criteria: Invitae Variant Classification Sherloc (09022015). Collection method: clinical testing. Allele origin: germline.
Comment: This sequence change replaces glutamine, which is neutral and polar, with glutamic acid, which is acidic and polar, at codon 827 of the MYH11 protein (p.Gln827Glu). This variant is not present in population databases (gnomAD no frequency). This variant has not been reported in the literature in individuals affected with MYH11-related conditions. ClinVar contains an entry for this variant (Variation ID: 3387219). Invitae Evidence Modeling of protein sequence and biophysical properties (such as structural, functional, and spatial information, amino acid conservation, physicochemical variation, residue mobility, and thermodynamic stability) indicates that this missense variant is not expected to disrupt MYH11 protein function with a negative predictive value of 80%. In summary, the available evidence is currently insufficient to determine the role of this variant in disease. Therefore, it has been classified as a Variant of Uncertain Significance.

All of Us Research Program, National Institutes of Health
Classification: Uncertain significance for Familial thoracic aortic aneurysm and aortic dissection. Last evaluated: 2024-06-11. Review status: criteria provided, single submitter. Criteria: ACMG Guidelines, 2015. Collection method: clinical testing. Allele origin: germline. Inheritance: Autosomal dominant inheritance. Observed: 1 variant allele, 1 heterozygote.
Comment: This study involves interpretation of variants in research participants for the purpose of population health screening. Participant phenotype was not available at the time of variant classification. Additional details can be found in publication PMID: 35346344, PMCID: PMC8962531